The following is an entry in ClinVar:

ClinVar aggregate classification (germline): Uncertain significance (1 of 4 stars; one submission).

Conditions:
Cardiovascular phenotype. Identifiers: MedGen CN230736.

Submission:

Ambry Genetics
Classification: Uncertain significance for Cardiovascular phenotype. Last evaluated: 2025-01-31. Review status: criteria provided, single submitter. Criteria: Ambry Variant Classification Scheme 2023. Collection method: clinical testing. Allele origin: germline.
Comment: The p.Q132E variant (also known as c.394C>G), located in coding exon 1 of the DES gene, results from a C to G substitution at nucleotide position 394. The glutamine at codon 132 is replaced by glutamic acid, an amino acid with highly similar properties. This amino acid position is conserved. In addition, this alteration is predicted to be deleterious by in silico analysis. Based on the available evidence, the clinical significance of this variant remains unclear.

NM_001927.4(DES):c.394C>G (p.Gln132Glu)

Gene: DES (desmin; plus strand). Cytogenetic location: 2q35.
Variant type: single nucleotide variant.
Coding change: c.394C>G on transcript NM_001927.4 (MANE Select); coding-DNA position 394, C replaced by G.
Protein change: p.Gln132Glu; replaces glutamine 132 with glutamic acid.
Molecular consequence: missense variant.
Genome position (GRCh38, 1-based): chr2:219,418,856, C>G. VCF-style: chr2-219418856-C-G. GRCh37 (hg19) VCF-style: chr2-220283578-C-G.
Other names: c.394C>G, p.Gln132Glu (NM_001382708.1, NM_001382709.1, NM_001382710.1 and 3 more transcripts); short protein forms Q132E.
Identifiers: ClinVar variation 3839555 (VCV003839555.1).